The following is an entry in ClinVar:

ClinVar aggregate classification (germline): Likely benign. Review status: criteria provided, multiple submitters, no conflicts (2 of 4 stars). 3 submissions from 3 submitters: Likely benign (3). Last evaluated 2025-08-13.

Conditions:
COL9A1-related disorder. Also called: COL9A1-related condition; COL9A1-related disorders.

gnomAD v4.1: 62 of 1,612,732 alleles (0.0038%); highest among the groups gnomAD compares: Non-Finnish European, 0.005%; no homozygotes.

Submissions (3):

Labcorp Genetics (formerly Invitae), Labcorp
Classification: Likely benign. Last evaluated: 2025-08-13. Review status: criteria provided, single submitter. Criteria: Invitae Variant Classification Sherloc (09022015). Collection method: clinical testing. Allele origin: germline.

PreventionGenetics, part of Exact Sciences
Classification: Likely benign for COL9A1-related condition. Last evaluated: 2024-11-05. Review status: criteria provided, single submitter. Criteria: ACMG Guidelines, 2015. Collection method: clinical testing. Allele origin: germline.
Comment: This variant is classified as likely benign based on ACMG/AMP sequence variant interpretation guidelines (Richards et al. 2015 PMID: 25741868, with internal and published modifications).

Blueprint Genetics
Classification: Likely benign. Last evaluated: 2024-03-05. Review status: criteria provided, single submitter. Criteria: ACMG Guidelines, 2015. Collection method: clinical testing. Allele origin: germline.

NM_001851.6(COL9A1):c.1287+7G>T

Gene: COL9A1 (collagen type IX alpha 1 chain; minus strand). Cytogenetic location: 6q13.
Variant type: single nucleotide variant.
Coding change: c.1287+7G>T on transcript NM_001851.6 (MANE Select); 7 bases into the intron after coding-DNA position 1287, G replaced by T.
Molecular consequence: intron variant.
Genome position (GRCh38, 1-based): chr6:70,268,797, C>A on the plus strand (G>T on the coding strand, the complement: COL9A1 is on the minus strand). VCF-style: chr6-70268797-C-A. GRCh37 (hg19) VCF-style: chr6-70978500-C-A.
Other names: c.558+7G>T (NM_001377290.1, NM_078485.4, NM_001377289.1); c.1287+7G>T (NM_001851.4).
Identifiers: ClinVar variation 1130814 (VCV001130814.11), dbSNP rs750833333, ClinGen allele CA3882307.